The following is an entry in ClinVar:

ClinVar aggregate classification (germline): Uncertain significance (1 of 4 stars; one submission).

Conditions:
Multiple congenital anomalies-hypotonia-seizures syndrome 1 (MCAHS1). Also called: PIGN-CDG; Congenital disorder of glycosylation due to PIGN deficiency; GLYCOSYLPHOSPHATIDYLINOSITOL BIOSYNTHESIS DEFECT 3. Identifiers: Orphanet 280633, MedGen C3279775, MONDO:0013563, OMIM 614080.

gnomAD v4.1: 7 of 1,582,312 alleles (0.00044%); highest among the groups gnomAD compares: East Asian, 0.0045%; no homozygotes.

Submission:

Labcorp Genetics (formerly Invitae), Labcorp
Classification: Uncertain significance for Multiple congenital anomalies-hypotonia-seizures syndrome 1. Last evaluated: 2024-11-04. Review status: criteria provided, single submitter. Criteria: Invitae Variant Classification Sherloc (09022015). Collection method: clinical testing. Allele origin: germline.
Comment: This sequence change replaces phenylalanine, which is neutral and non-polar, with leucine, which is neutral and non-polar, at codon 371 of the PIGN protein (p.Phe371Leu). The frequency data for this variant in the population databases is considered unreliable, as metrics indicate poor data quality at this position in the gnomAD database. This variant has not been reported in the literature in individuals affected with PIGN-related conditions. ClinVar contains an entry for this variant (Variation ID: 1473665). Invitae Evidence Modeling of protein sequence and biophysical properties (such as structural, functional, and spatial information, amino acid conservation, physicochemical variation, residue mobility, and thermodynamic stability) indicates that this missense variant is not expected to disrupt PIGN protein function with a negative predictive value of 80%. In summary, the available evidence is currently insufficient to determine the role of this variant in disease. Therefore, it has been classified as a Variant of Uncertain Significance.

NM_176787.5(PIGN):c.1113C>G (p.Phe371Leu)

Gene: PIGN (phosphatidylinositol glycan anchor biosynthesis class N; minus strand). Cytogenetic location: 18q21.33.
Variant type: single nucleotide variant.
Coding change: c.1113C>G on transcript NM_176787.5 (MANE Select); coding-DNA position 1113, C replaced by G.
Protein change: p.Phe371Leu; replaces phenylalanine 371 with leucine.
Molecular consequence: missense variant.
Genome position (GRCh38, 1-based): chr18:62,138,986, G>C on the plus strand (C>G on the coding strand, the complement: PIGN is on the minus strand). VCF-style: chr18-62138986-G-C. GRCh37 (hg19) VCF-style: chr18-59806219-G-C.
Other names: c.1113C>G, p.Phe371Leu (NM_012327.6); short protein forms F371L.
Identifiers: ClinVar variation 1473665 (VCV001473665.7), dbSNP rs1212978837, ClinGen allele CA402607698.
Genomic context (GRCh38, chr18:62,138,986, plus strand): 5'-TATTTAAATTGTAGTATTGTCCATTTTTGTGCGTGCCTTTTTGAATTTTTTTTTTACCTT[G>C]AACTGTTCAAGAATCTGTACTGCATTTGTAAACATGCTCTCTGCTTTGAAGAGATCAGTG-3'
Protein context (NP_789744.1, residues 361-381): FTNAVQILEQ[Phe371Leu]KVKMTQKKEV